The following is an entry in ClinVar:

ClinVar aggregate classification (germline): Uncertain significance (1 of 4 stars; one submission).

Allele frequency attached by ClinVar (database versions not stated): gnomAD exomes 0.00001; gnomAD 0.00002; TOPMed 0.00002.

Submission:

Labcorp Genetics (formerly Invitae), Labcorp
Classification: Uncertain significance. Last evaluated: 2023-01-15. Review status: criteria provided, single submitter. Criteria: Invitae Variant Classification Sherloc (09022015). Collection method: clinical testing. Allele origin: germline.
Comment: In summary, the available evidence is currently insufficient to determine the role of this variant in disease. Therefore, it has been classified as a Variant of Uncertain Significance. Algorithms developed to predict the effect of missense changes on protein structure and function (SIFT, PolyPhen-2, Align-GVGD) all suggest that this variant is likely to be tolerated. This variant has not been reported in the literature in individuals affected with CLCN6-related conditions. This variant is present in population databases (no rsID available, gnomAD 0.007%). This sequence change replaces threonine, which is neutral and polar, with alanine, which is neutral and non-polar, at codon 715 of the CLCN6 protein (p.Thr715Ala).

NM_001286.5(CLCN6):c.2143A>G (p.Thr715Ala)

Gene: CLCN6 (chloride voltage-gated channel 6; plus strand). Cytogenetic location: 1p36.22.
Variant type: single nucleotide variant.
Coding change: c.2143A>G on transcript NM_001286.5 (MANE Select); coding-DNA position 2143, A replaced by G.
Protein change: p.Thr715Ala; replaces threonine 715 with alanine.
Molecular consequence: missense variant. On other transcripts: non-coding transcript variant (1).
Genome position (GRCh38, 1-based): chr1:11,837,347, A>G. VCF-style: chr1-11837347-A-G. GRCh37 (hg19) VCF-style: chr1-11897404-A-G.
Other names: c.2077A>G, p.Thr693Ala (NM_001256959.2); short protein forms T693A, T715A.
Identifiers: ClinVar variation 2959916 (VCV002959916.3), dbSNP rs1035323278, ClinGen allele CA18004272.
Genomic context (GRCh38, chr1:11,837,347, plus strand): 5'-ATCAGAAGCGCTCCCGCTGAGGGTATCCCAGGCAGCATCTGGTTTTTGTGTAACAGATAC[A>G]CTCCCTACCCCAACCTATACCCTGACCAGTCCCCAAGTGAAGACTGGACCATGGAGGAGC-3'
Protein context (NP_001277.2, residues 705-725): LLQQMLERRY[Thr715Ala]PYPNLYPDQS